The following is an entry in ClinVar:

NM_000336.3(SCNN1B):c.486G>T (p.Met162Ile)

Gene: SCNN1B (sodium channel epithelial 1 subunit beta; plus strand). Cytogenetic location: 16p12.2.
Variant type: single nucleotide variant.
Coding change: c.486G>T on transcript NM_000336.3 (MANE Select); coding-DNA position 486, G replaced by T.
Protein change: p.Met162Ile; replaces methionine 162 with isoleucine.
Molecular consequence: missense variant.
Genome position (GRCh38, 1-based): chr16:23,352,975, G>T. VCF-style: chr16-23352975-G-T. GRCh37 (hg19) VCF-style: chr16-23364296-G-T.
Other names: c.486G>T, p.Met162Ile (NM_001410900.1); short protein forms M162I.
Identifiers: ClinVar variation 3316642 (VCV003316642.3).

ClinVar aggregate classification (germline): Uncertain significance. Review status: criteria provided, multiple submitters, no conflicts (2 of 4 stars). 3 submissions from 3 submitters: Uncertain significance (3). Last evaluated 2025-11-06.

Conditions:
Inborn genetic diseases. Identifiers: MedGen C0950123, MeSH D030342.
Bronchiectasis with or without elevated sweat chloride 1 (BESC1). Also called: Cystic Fibrosis-Like Syndrome. Identifiers: Orphanet 60033, MedGen C2749757, MONDO:0008887, OMIM 211400.
Liddle syndrome 1 (LIDLS1). Also called: PSEUDOALDOSTERONISM. Identifiers: Orphanet 526, MedGen CN031472, MONDO:0020607, OMIM 177200.
Pseudohypoaldosteronism, type IB2, autosomal recessive (PHA1B2). Identifiers: MedGen C5774255, MONDO:0859317, OMIM 620125.

Submissions (3):

Labcorp Genetics (formerly Invitae), Labcorp
Classification: Uncertain significance. Last evaluated: 2025-11-06. Review status: criteria provided, single submitter. Criteria: Invitae Variant Classification Sherloc (09022015). Collection method: clinical testing. Allele origin: germline.
Comment: This sequence change replaces methionine, which is neutral and non-polar, with isoleucine, which is neutral and non-polar, at codon 162 of the SCNN1B protein (p.Met162Ile). This variant is present in population databases (no rsID available, gnomAD 0.006%). This variant has not been reported in the literature in individuals affected with SCNN1B-related conditions. ClinVar contains an entry for this variant (Variation ID: 3316642). An algorithm developed to predict the effect of missense changes on protein structure and function (PolyPhen-2) suggests that this variant is likely to be tolerated. In summary, the available evidence is currently insufficient to determine the role of this variant in disease. Therefore, it has been classified as a Variant of Uncertain Significance.

Fulgent Genetics
Classification: Uncertain significance for Liddle syndrome 1; Bronchiectasis with or without elevated sweat chloride 1; Pseudohypoaldosteronism, type IB2, autosomal recessive. Last evaluated: 2024-06-10. Review status: criteria provided, single submitter. Criteria: ACMG Guidelines, 2015. Collection method: clinical testing. Allele origin: germline.

Ambry Genetics
Classification: Uncertain significance for Inborn genetic diseases. Last evaluated: 2024-03-16. Review status: criteria provided, single submitter. Criteria: Ambry Variant Classification Scheme 2023. Collection method: clinical testing. Allele origin: germline.